The following is an entry in ClinVar:

NC_000002.12:g.215362057_215362082dup

Genes: ATIC (5-aminoimidazole-4-carboxamide ribonucleotide formyltransferase/IMP cyclohydrolase; plus strand), FN1 (fibronectin 1; minus strand). Cytogenetic location: 2q35.
Variant type: Duplication.
Genome position: GRCh38 VCF-style: chr2-215362053-T-TCTGCGGCAGTTGTCACAGCGCCAGCC. GRCh37 (hg19) VCF-style: chr2-216226776-T-TCTGCGGCAGTTGTCACAGCGCCAGCC.
Identifiers: ClinVar variation 2049126 (VCV002049126.5), ClinGen allele CA431154139.

ClinVar aggregate classification (germline): Uncertain significance (1 of 4 stars; one submission).

Submission:

Labcorp Genetics (formerly Invitae), Labcorp
Classification: Uncertain significance. Last evaluated: 2023-10-25. Review status: criteria provided, single submitter. Criteria: Invitae Variant Classification Sherloc (09022015). Collection method: clinical testing. Allele origin: germline.
Comment: This sequence change creates a premature translational stop signal (p.Pro2427Alafs*49) in the FN1 gene. While this is not anticipated to result in nonsense mediated decay, it is expected to disrupt the last 51 amino acid(s) of the FN1 protein. This variant is present in population databases (no rsID available, gnomAD 0.002%). This variant has not been reported in the literature in individuals affected with FN1-related conditions. ClinVar contains an entry for this variant (Variation ID: 2049126). Experimental studies and prediction algorithms are not available or were not evaluated, and the functional significance of this variant is currently unknown. In summary, the available evidence is currently insufficient to determine the role of this variant in disease. Therefore, it has been classified as a Variant of Uncertain Significance.